The following is an entry in ClinVar:

ClinVar aggregate classification (germline): Pathogenic (1 of 4 stars; one submission).

Conditions:
Duchenne muscular dystrophy (DMD). Also called: Duchenne Muscular Dystrophy (DMD); MUSCULAR DYSTROPHY, PSEUDOHYPERTROPHIC PROGRESSIVE, DUCHENNE TYPE. Identifiers: Orphanet 98896, MedGen C0013264, MONDO:0010679, OMIM 310200.

Submission:

Labcorp Genetics (formerly Invitae), Labcorp
Classification: Pathogenic for Duchenne muscular dystrophy. Last evaluated: 2019-03-20. Review status: criteria provided, single submitter. Criteria: Invitae Variant Classification Sherloc (09022015). Collection method: clinical testing. Allele origin: germline.
Comment: For these reasons, this variant has been classified as Pathogenic. Loss-of-function variants in DMD are known to be pathogenic (PMID: 16770791, 25007885). This variant has not been reported in the literature in individuals with DMD-related conditions. This variant is a deletion of the genomic region encompassing part of exon 71 (c.10224-175_10238del) of the DMD gene. It is expected to disrupt RNA splicing and likely results in an absent or disrupted protein product.

Literature cited by the submitters: PubMed 16770791; PubMed 25007885.

NM_004006.3(DMD):c.10224-175_10238del

Gene: DMD (dystrophin; minus strand). Cytogenetic location: Xp21.2.
Variant type: Deletion.
Coding change: c.10224-175_10238del on transcript NM_004006.3 (MANE Select); 175 bases into the intron before coding-DNA position 10224 through coding-DNA position 10238, 190 bases deleted.
Molecular consequence: splice acceptor variant. On other transcripts: intron variant (5).
Genome position (GRCh38, 1-based): chrX:31,177,956-31,178,145, 190 bases deleted. GRCh37 (hg19): chrX:31,196,081-31,196,270.
Other names: c.10200-175_10214del (NM_000109.4); c.6201-175_6215del (NM_004011.4); c.6192-175_6206del (NM_004012.4); c.2843+524_2843+713del (NM_004023.3, NM_004020.4, NM_004022.3); c.2844-175_2858del (NM_004021.3, NM_004013.3); c.2037-175_2051del (NM_004014.3); c.1019+524_1019+713del (NM_004018.3, NM_004017.3); c.1020-175_1034del (NM_004016.3, NM_004015.3); and 2 more.
Identifiers: ClinVar variation 838104 (VCV000838104.8), dbSNP rs2040711393, ClinGen allele CA916081247.